The following is an entry in ClinVar:

ClinVar aggregate classification (germline): Benign. Review status: criteria provided, multiple submitters, no conflicts (2 of 4 stars). 10 submissions from 10 submitters: Benign (9). 1 of the submissions does not count toward it. Last evaluated 2026-02-04.

Conditions:
Hereditary cancer-predisposing syndrome. Also called: Tumor predisposition; Hereditary Cancer Syndrome; Neoplastic Syndromes, Hereditary; Hereditary neoplastic syndrome. Identifiers: Orphanet 140162, MedGen C0027672, MeSH D009386, MONDO:0015356.
ALK-related disorder. Also called: ALK-related condition.
Neuroblastoma, susceptibility to, 3. Also called: ALK-Related Neuroblastic Tumor Susceptibility. Identifiers: Orphanet 635, MedGen C2751681, MONDO:0013083, OMIM 613014.

Allele frequency attached by ClinVar (database versions not stated): gnomAD exomes 0.00168 and 0.00444; ExAC 0.00572; gnomAD 0.01754 and 0.01865; ESP Exome Variant Server 0.01969; TOPMed 0.02000; 1000 Genomes Project 0.02276; 1000 Genomes Project 30x 0.02374.
gnomAD v4.1: 5,223 of 1,614,166 alleles (0.32%); highest among the groups gnomAD compares: African/African-American, 6.2%; 168 homozygotes.

Submissions (10):

Labcorp Genetics (formerly Invitae), Labcorp
Classification: Benign for Neuroblastoma, susceptibility to, 3. Last evaluated: 2026-02-04. Review status: criteria provided, single submitter. Criteria: Invitae Variant Classification Sherloc (09022015). Collection method: clinical testing. Allele origin: germline.

CeGaT Center for Human Genetics Tuebingen
Classification: Benign. Last evaluated: 2025-10-01. Review status: criteria provided, single submitter. Criteria: CeGaT Center For Human Genetics Tuebingen Variant Classification Criteria Version 2. Collection method: clinical testing. Allele origin: germline. Affected: yes. Observed: 1 variant allele.
Comment: ALK: BP4, BP7, BS1, BS2

ARUP Laboratories, Molecular Genetics and Genomics, ARUP Laboratories
Classification: Benign for Neuroblastoma, susceptibility to, 3. Last evaluated: 2025-03-27. Review status: criteria provided, single submitter. Criteria: ARUP Molecular Germline Variant Investigation Process 2024. Collection method: clinical testing. Allele origin: germline.

KCCC/NGS Laboratory, Kuwait Cancer Control Center
Classification: Benign for Neuroblastoma, susceptibility to, 3. Last evaluated: 2023-07-07. Review status: criteria provided, single submitter. Criteria: ACMG Guidelines, 2015. Collection method: clinical testing. Allele origin: germline. Affected: yes.

Women's Health and Genetics/Laboratory Corporation of America, LabCorp
Classification: Benign. Last evaluated: 2018-12-27. Review status: criteria provided, single submitter. Criteria: LabCorp Variant Classification Summary - May 2015. Collection method: clinical testing. Allele origin: germline.
Comment: Variant summary: ALK c.4203T>C alters a non-conserved nucleotide resulting in a synonymous change. 5/5 computational tools predict no significant impact on normal splicing. However, these predictions have yet to be confirmed by functional studies. The variant allele was found at a frequency of 0.0056 in 276378 control chromosomes, predominantly at a frequency of 0.06 within the African subpopulation in the gnomAD database, including 51 homozygotes. The observed variant frequency within African control individuals in the gnomAD database is approximately 144000-folds higher than the estimated maximal expected allele frequency for a pathogenic variant in ALK causing Neuroblastoma, Susceptibility Type 3 phenotype (4.2e-07), strongly suggesting that the variant is a benign polymorphism found primarily in populations of African origin. To our knowledge, no occurrence of c.4203T>C in individuals affected with Neuroblastoma, Susceptibility Type 3 and no experimental evidence demonstrating its impact on protein function have been reported. Four ClinVar submissions from clinical diagnostic laboratories (evaluation after 2014) cite the variant as likely benign/benign. Based on the evidence outlined above, the variant was classified as benign.

Ambry Genetics
Classification: Benign for Hereditary cancer-predisposing syndrome. Last evaluated: 2018-10-04. Review status: criteria provided, single submitter. Criteria: Ambry Variant Classification Scheme 2023. Collection method: clinical testing. Allele origin: germline.

Illumina Laboratory Services, Illumina
Classification: Benign for Neuroblastoma, susceptibility to, 3. Last evaluated: 2018-01-12. Review status: criteria provided, single submitter. Criteria: ICSL Variant Classification Criteria 13 December 2019. Collection method: clinical testing. Allele origin: germline.
Comment: This variant was observed in the ICSL laboratory as part of a predisposition screen in an ostensibly healthy population. It had not been previously curated by ICSL or reported in the Human Gene Mutation Database (HGMD: prior to June 1st, 2018), and was therefore a candidate for classification through an automated scoring system. Utilizing variant allele frequency, disease prevalence and penetrance estimates, and inheritance mode, an automated score was calculated to assess if this variant is too frequent to cause the disease. Based on the score and internal cut-off values, a variant classified as benign is not then subjected to further curation. The score for this variant resulted in a classification of benign for this disease.

GeneDx
Classification: Benign. Last evaluated: 2017-10-12. Review status: criteria provided, single submitter. Criteria: GeneDx Variant Classification (06012015). Collection method: clinical testing. Allele origin: germline. Affected: yes.
Comment: This variant is considered likely benign or benign based on one or more of the following criteria: it is a conservative change, it occurs at a poorly conserved position in the protein, it is predicted to be benign by multiple in silico algorithms, and/or has population frequency not consistent with disease.

Breakthrough Genomics
Classification: Benign. Review status: criteria provided, single submitter. Criteria: ACMG Guidelines, 2015. Collection method: not provided. Allele origin: germline. Inheritance: Unknown mechanism. Affected: yes.

PreventionGenetics, part of Exact Sciences
Classification: Benign for ALK-related condition. Last evaluated: 2019-05-20. Review status: no assertion criteria provided. Collection method: clinical testing. Allele origin: germline. Not counted in ClinVar's aggregate classification.
Comment: This variant is classified as benign based on ACMG/AMP sequence variant interpretation guidelines (Richards et al. 2015 PMID: 25741868, with internal and published modifications).

NM_004304.5(ALK):c.4203T>C (p.Tyr1401=)

Gene: ALK (ALK receptor tyrosine kinase; minus strand). Cytogenetic location: 2p23.2.
Variant type: single nucleotide variant.
Coding change: c.4203T>C on transcript NM_004304.5 (MANE Select); coding-DNA position 4203, T replaced by C.
Protein change: p.Tyr1401=; no amino-acid change (tyrosine 1401 retained).
Molecular consequence: synonymous variant.
Genome position (GRCh38, 1-based): chr2:29,193,884, A>G on the plus strand (T>C on the coding strand, the complement: ALK is on the minus strand). VCF-style: chr2-29193884-A-G. GRCh37 (hg19) VCF-style: chr2-29416750-A-G.
Other names: c.999T>C, p.Tyr333= (NM_001353765.2).
Identifiers: ClinVar variation 239833 (VCV000239833.31), dbSNP rs55772745, ClinGen allele CA1593624.